The following is an entry in ClinVar:

ClinVar aggregate classification (germline): Likely pathogenic (1 of 4 stars; one submission).

Conditions:
Familial adenomatous polyposis 2. Also called: COLORECTAL ADENOMATOUS POLYPOSIS, AUTOSOMAL RECESSIVE; MUTYH Polyposis; MUTYH-associated polyposis; MUTYH-related attenuated familial adenomatous polyposis; Adenomas, multiple colorectal; ADENOMAS, MULTIPLE COLORECTAL, AUTOSOMAL RECESSIVE. Identifiers: Orphanet 220460, Orphanet 247798, MedGen C3272841, MONDO:0012041, OMIM 608456.

Submission:

Labcorp Genetics (formerly Invitae), Labcorp
Classification: Likely pathogenic for Familial adenomatous polyposis 2. Last evaluated: 2016-11-08. Review status: criteria provided, single submitter. Criteria: Invitae Variant Classification Sherloc (09022015). Collection method: clinical testing. Allele origin: germline.
Comment: In summary, donor and acceptor splice site variants are typically loss-of-function (PMID: 16199547), and loss-of-function variants in MUTYH are known to be pathogenic (PMID: 20663686, 18534194). However, without additional functional and/or genetic data, this variant has been classified as Likely Pathogenic. This variant has not been reported in the literature in individuals with a MUTYH-related disease. However, this variant has been reported in an individual in the Leiden Open-source Variation Database (PMID: 21520333). This sequence change affects a donor splice site in intron 10 of the MUTYH gene. It is expected to disrupt RNA splicing and likely results in an absent or disrupted protein product.

Literature cited by the submitters: PubMed 16199547; PubMed 20663686; PubMed 18534194; PubMed 21520333.

NM_001048174.2(MUTYH):c.849+2T>G

Gene: MUTYH (mutY DNA glycosylase; minus strand). Cytogenetic location: 1p34.1.
Variant type: single nucleotide variant.
Coding change: c.849+2T>G on transcript NM_001048174.2 (MANE Select); the canonical splice donor site of the intron after coding-DNA position 849, T replaced by G.
Molecular consequence: splice donor variant.
Genome position (GRCh38, 1-based): chr1:45,332,164, A>C on the plus strand (T>G on the coding strand, the complement: MUTYH is on the minus strand). VCF-style: chr1-45332164-A-C. GRCh37 (hg19) VCF-style: chr1-45797836-A-C.
Other names: c.882+2T>G (NM_001293191.2, NM_001407077.1, NM_001407069.1); c.891+2T>G (NM_001407085.1, NM_001407083.1); c.849+2T>G (NM_001407088.1, NM_001293195.2, NM_001407089.1 and 6 more transcripts); c.870+2T>G (NM_001407087.1); c.810+2T>G (NM_001407079.1); c.852+2T>G (NM_001048172.2, NM_001407078.1, NM_001407086.1 and 1 more transcripts); c.765+2T>G (NM_001407075.1); c.573+2T>G (NM_001407091.1, NM_001293192.2, NM_001293196.2); and 5 more.
Identifiers: ClinVar variation 406842 (VCV000406842.7), dbSNP rs1060501333, ClinGen allele CA16610117.